The following is an entry in ClinVar:

NM_000368.5(TSC1):c.1416T>C (p.Ser472=)

Gene: TSC1 (TSC complex subunit 1; minus strand). Cytogenetic location: 9q34.13.
Variant type: single nucleotide variant.
Coding change: c.1416T>C on transcript NM_000368.5 (MANE Select); coding-DNA position 1416, T replaced by C.
Protein change: p.Ser472=; no amino-acid change (serine 472 retained).
Molecular consequence: synonymous variant. On other transcripts: non-coding transcript variant (5).
Genome position (GRCh38, 1-based): chr9:132,906,753, A>G on the plus strand (T>C on the coding strand, the complement: TSC1 is on the minus strand). VCF-style: chr9-132906753-A-G. GRCh37 (hg19) VCF-style: chr9-135782140-A-G.
Other names: c.1413T>C, p.Ser471= (NM_001162426.2, NM_001406597.1, NM_001406598.1 and 6 more transcripts); c.1263T>C, p.Ser421= (NM_001162427.2, NM_001406610.1); c.1053T>C, p.Ser351= (NM_001362177.2, NM_001406614.1, NM_001406615.1 and 5 more transcripts); c.1416T>C, p.Ser472= (NM_001406592.1, NM_001406593.1, NM_001406594.1 and 7 more transcripts); c.1260T>C, p.Ser420= (NM_001406611.1, NM_001406612.1, NM_001406613.1); c.1050T>C, p.Ser350= (NM_001406620.1, NM_001406621.1, NM_001406622.1 and 2 more transcripts); c.465T>C, p.Ser155= (NM_001406626.1); c.462T>C, p.Ser154= (NM_001406627.1, NM_001406628.1); and 1 more.
Identifiers: ClinVar variation 3071766 (VCV003071766.4), dbSNP rs2131862866, ClinGen allele CA467591615.
Genomic context (GRCh38, chr9:132,906,753, plus strand): 5'-CAGGTTTTATCAACTCATAGCAATCCCACATACATTACCTTCTTCTTTATCTTTTTCAAT[A>G]CTATCTTCTTCAGAGGCCAGATCACCTAAAAACCCTGGAAGATCACTTAGAGTGACAGAA-3'
Protein context (NP_000359.1, residues 462-482): FLGDLASEED[Ser472=]IEKDKEEAAI

ClinVar aggregate classification (germline): Benign/Likely benign. Review status: criteria provided, multiple submitters, no conflicts (2 of 4 stars). 4 submissions from 4 submitters: Benign (1); Likely benign (3). Last evaluated 2026-07-11.

Conditions:
Tuberous sclerosis 1 (TSC1). Identifiers: Orphanet 805, MedGen C1854465, MONDO:0008612, OMIM 191100.
Tuberous sclerosis syndrome (TSC). Also called: Tuberous Sclerosis Complex; Tuberous sclerosis. Identifiers: Orphanet 805, MedGen C0041341, MONDO:0001734.
Hereditary cancer-predisposing syndrome. Also called: Tumor predisposition; Hereditary Cancer Syndrome; Neoplastic Syndromes, Hereditary; Hereditary neoplastic syndrome. Identifiers: Orphanet 140162, MedGen C0027672, MeSH D009386, MONDO:0015356.

Submissions (4):

Ambry Genetics
Classification: Likely benign for Hereditary cancer-predisposing syndrome. Last evaluated: 2026-07-11. Review status: criteria provided, single submitter. Criteria: Ambry Variant Classification Scheme 2023. Collection method: clinical testing. Allele origin: germline.

Labcorp Genetics (formerly Invitae), Labcorp
Classification: Likely benign for Tuberous sclerosis 1. Last evaluated: 2026-01-09. Review status: criteria provided, single submitter. Criteria: Invitae Variant Classification Sherloc (09022015). Collection method: clinical testing. Allele origin: germline.

Myriad Genetics, Inc.
Classification: Benign for Tuberous sclerosis 1. Last evaluated: 2025-04-09. Review status: criteria provided, single submitter. Criteria: Myriad Autosomal Dominant, Autosomal Recessive and X-Linked Classification Criteria (2023). Collection method: clinical testing. Allele origin: unknown.
Comment: This variant is considered benign. This variant is a silent/synonymous amino acid change and it is not expected to impact splicing.

All of Us Research Program, National Institutes of Health
Classification: Likely benign for Tuberous sclerosis syndrome. Last evaluated: 2023-06-26. Review status: criteria provided, single submitter. Criteria: ACMG Guidelines, 2015. Collection method: clinical testing. Allele origin: germline. Inheritance: Autosomal dominant inheritance. Observed: 1 variant allele, 1 heterozygote.
Comment: This study involves interpretation of variants in research participants for the purpose of population health screening. Participant phenotype was not available at the time of variant classification. Additional details can be found in publication PMID: 35346344, PMCID: PMC8962531